The following is an entry in ClinVar:

NM_000444.6(PHEX):c.1776del (p.Lys592fs)

Genes: PTCHD1-AS (PTCHD1 and PHEX antisense RNA; minus strand), PHEX (phosphate regulating endopeptidase X-linked; plus strand). Cytogenetic location: Xp22.11.
Variant type: Deletion.
Coding change: c.1776del on transcript NM_000444.6 (MANE Select); coding-DNA position 1776, one base deleted (A; older notation c.1776delA).
Protein change: p.Lys592fs; shifts the reading frame from lysine 592.
Molecular consequence: frameshift variant.
Genome position (GRCh38, 1-based): chrX:22,221,620, A deleted; the last of 4 consecutive A bases (chrX:22,221,617-22,221,620); deleting any one gives the same sequence. VCF-style (leftmost placement, unchanged base first): chrX-22221616-GA-G. GRCh37 (hg19) VCF-style: chrX-22239733-GA-G.
Other names: c.1776del, p.Lys592fs (NM_001282754.2); short protein forms K592fs.
Identifiers: ClinVar variation 4540604 (VCV004540604.1).
Genomic context (GRCh38, chrX:22,221,616, plus strand): 5'-AGATGAATTTAGTTTCCATAAATAACACAAATGTCTTCGAACTTTTCCTTTTGCTAGGTA[GA>G]AAATATGATAAAAATGGAAACCTGGATCCTTGGTGGTCTACTGAATCAGAAGAAAAGTTT-3'

ClinVar aggregate classification (germline): Pathogenic (1 of 4 stars; one submission).

Conditions:
Hypophosphataemia or rickets.

Submission:

Cambridge Genomics Laboratory, East Genomic Laboratory Hub, NHS Genomic Medicine Service
Classification: Pathogenic for Hypophosphataemia or rickets. Last evaluated: 2025-10-30. Review status: criteria provided, single submitter. Criteria: ACGS Best Practice Guidelines for Variant Classification in Rare Disease 2020. Collection method: clinical testing. Allele origin: germline. Affected: yes.
Comment: PVS1,PM2